The following is an entry in ClinVar:

ClinVar aggregate classification (germline): Pathogenic (1 of 4 stars; one submission).

Conditions:
Severe combined immunodeficiency due to IKK2 deficiency. Also called: IMMUNODEFICIENCY 15B; Immunodeficiency 15. Identifiers: Orphanet 397787, MedGen C4747743, MONDO:0014267, OMIM 615592.

Submission:

Labcorp Genetics (formerly Invitae), Labcorp
Classification: Pathogenic for Severe combined immunodeficiency due to IKK2 deficiency. Last evaluated: 2022-04-28. Review status: criteria provided, single submitter. Criteria: Invitae Variant Classification Sherloc (09022015). Collection method: clinical testing. Allele origin: germline.
Comment: For these reasons, this variant has been classified as Pathogenic. This variant has not been reported in the literature in individuals affected with IKBKB-related conditions. This variant is not present in population databases (gnomAD no frequency). This sequence change creates a premature translational stop signal (p.Cys464*) in the IKBKB gene. It is expected to result in an absent or disrupted protein product. Loss-of-function variants in IKBKB are known to be pathogenic (PMID: 24369075, 24679846).

Literature cited by the submitters: PubMed 24369075; PubMed 24679846.

NM_001556.3(IKBKB):c.1392C>A (p.Cys464Ter)

Gene: IKBKB (inhibitor of nuclear factor kappa B kinase subunit beta; plus strand). Cytogenetic location: 8p11.21.
Variant type: single nucleotide variant.
Coding change: c.1392C>A on transcript NM_001556.3 (MANE Select); coding-DNA position 1392, C replaced by A.
Protein change: p.Cys464Ter; replaces cysteine 464 with a stop codon.
Molecular consequence: nonsense. On other transcripts: non-coding transcript variant (3).
Genome position (GRCh38, 1-based): chr8:42,319,297, C>A. VCF-style: chr8-42319297-C-A. GRCh37 (hg19) VCF-style: chr8-42176815-C-A.
Other names: c.1200C>A, p.Cys400Ter (NM_001190720.3); c.1215C>A, p.Cys405Ter (NM_001242778.2); short protein forms C464*, C400*, C405*.
Identifiers: ClinVar variation 2131114 (VCV002131114.4), dbSNP rs745492616, ClinGen allele CA371090211.
Genomic context (GRCh38, chr8:42,319,297, plus strand): 5'-ATGCTCCAAGACTGTTCCTTGTGGTCCCTGCAGGATGAATCTCCTCCGAAACAACAGCTG[C>A]CTCTCCAAAATGAAGAATTCCATGGCTTCCATGTCTCAGCAGCTCAAGGCCAAGTTGGAT-3'